The following is an entry in ClinVar:

ClinVar aggregate classification (germline): Pathogenic (0 of 4 stars; one submission).

Conditions:
Stargardt disease (FFM). Also called: Stargardt's disease; Fundus flavimaculatus. Identifiers: Orphanet 827, MedGen C0271093, MONDO:0019353.

Submission:

Ophthalmo-Genetics Lab, Instituto de Oftalmologia Conde de Valenciana
Classification: Pathogenic for Stargardt disease. Last evaluated: 2022-12-19. Review status: no assertion criteria provided. Collection method: research. Allele origin: biparental. Inheritance: Autosomal recessive inheritance. Affected: yes. Observed: 1 compound heterozygote.
Comment: PP1,PP4,PM3,PVS1,PM2 ACMG criteria

Literature cited by the submitters: PubMed 30578500.

NM_000350.3:c.1876_1999del

Gene: ABCA4 (ATP binding cassette subfamily A member 4; minus strand).
Variant type: Deletion.
Other names: c.1876_1999del (NM_000350.3).
Identifiers: ClinVar variation 1803949 (VCV001803949.1).